The following is an entry in ClinVar:

ClinVar aggregate classification (germline): Benign/Likely benign. Review status: criteria provided, multiple submitters, no conflicts (2 of 4 stars). 5 submissions from 5 submitters: Benign (1); Likely benign (3). 1 of the submissions does not count toward it. Last evaluated 2026-02-02.

Conditions:
LAMC3-related disorder. Also called: LAMC3-related condition.

Allele frequency attached by ClinVar (database versions not stated): ExAC 0.00037; gnomAD 0.00044 and 0.00045; gnomAD exomes 0.00045 and 0.00083; TOPMed 0.00047; ESP Exome Variant Server 0.00062.
gnomAD v4.1: 1,301 of 1,614,134 alleles (0.081%); highest among the groups gnomAD compares: Non-Finnish European, 0.1%; 3 homozygotes.

Submissions (5):

Labcorp Genetics (formerly Invitae), Labcorp
Classification: Likely benign. Last evaluated: 2026-02-02. Review status: criteria provided, single submitter. Criteria: Invitae Variant Classification Sherloc (09022015). Collection method: clinical testing. Allele origin: germline.

Blueprint Genetics
Classification: Likely benign. Last evaluated: 2024-09-11. Review status: criteria provided, single submitter. Criteria: ACMG Guidelines, 2015. Collection method: clinical testing. Allele origin: germline.

CeGaT Center for Human Genetics Tuebingen
Classification: Likely benign. Last evaluated: 2022-08-01. Review status: criteria provided, single submitter. Criteria: CeGaT Center For Human Genetics Tuebingen Variant Classification Criteria Version 2. Collection method: clinical testing. Allele origin: germline. Affected: yes. Observed: 1 variant allele.
Comment: LAMC3: BP4

GeneDx
Classification: Benign. Last evaluated: 2015-03-03. Review status: criteria provided, single submitter. Criteria: GeneDx Variant Classification Process June 2021. Collection method: clinical testing. Allele origin: germline. Affected: yes.

PreventionGenetics, part of Exact Sciences
Classification: Likely benign for LAMC3-related condition. Last evaluated: 2020-03-09. Review status: no assertion criteria provided. Collection method: clinical testing. Allele origin: germline. Not counted in ClinVar's aggregate classification.
Comment: This variant is classified as likely benign based on ACMG/AMP sequence variant interpretation guidelines (Richards et al. 2015 PMID: 25741868, with internal and published modifications).

NM_006059.4(LAMC3):c.480C>T (p.Tyr160=)

Gene: LAMC3 (laminin subunit gamma 3; plus strand). Cytogenetic location: 9q34.12.
Variant type: single nucleotide variant.
Coding change: c.480C>T on transcript NM_006059.4 (MANE Select); coding-DNA position 480, C replaced by T.
Protein change: p.Tyr160=; no amino-acid change (tyrosine 160 retained).
Molecular consequence: synonymous variant.
Genome position (GRCh38, 1-based): chr9:131,026,391, C>T. VCF-style: chr9-131026391-C-T. GRCh37 (hg19) VCF-style: chr9-133901778-C-T.
Identifiers: ClinVar variation 715736 (VCV000715736.36), dbSNP rs140728983, ClinGen allele CA5286705.
Genomic context (GRCh38, chr9:131,026,391, plus strand): 5'-TCGCCCTGAGAGCTTTGCCATCTACAAGCGCAGCCGCGCCGACGGCCCATGGGAGCCCTA[C>T]CAGTTCTACAGCGCCTCCTGCCAGAAGACCTACGGCCGGCCCGAGGGCCAGTACCTGCGC-3'
Protein context (NP_006050.3, residues 150-170): RSRADGPWEP[Tyr160=]QFYSASCQKT